The following is an entry in ClinVar:

ClinVar aggregate classification (germline): Uncertain significance (1 of 4 stars; one submission).

Conditions:
Epidermolysis bullosa simplex with nail dystrophy (EBS5D). Identifiers: MedGen C4225309, MONDO:0014661, OMIM 616487.
Epidermolysis bullosa simplex, Ogna type (EBS5A). Also called: Pidermolysis bullosa simplex 5A, Ogna type; EPIDERMOLYSIS BULLOSA SIMPLEX 5A, OGNA TYPE. Identifiers: Orphanet 79401, MedGen C0432317, MONDO:0007555, OMIM 131950.
Autosomal recessive limb-girdle muscular dystrophy type 2Q (LGMDR17). Also called: MUSCULAR DYSTROPHY, LIMB-GIRDLE, AUTOSOMAL RECESSIVE 17. Identifiers: Orphanet 254361, MedGen C3150989, MONDO:0013390, OMIM 613723.
Epidermolysis bullosa simplex 5B, with muscular dystrophy (EBS5B). Also called: EPIDERMOLYSIS BULLOSA SIMPLEX AND LIMB-GIRDLE MUSCULAR DYSTROPHY; Epidermolysis bullosa simplex with muscular dystrophy. Identifiers: Orphanet 257, MedGen C2931072, MONDO:0009181, OMIM 226670.
Epidermolysis bullosa simplex 5C, with pyloric atresia (EBS5C). Also called: PLEC-Related Epidermolysis Bullosa with Pyloric Atresia; Epidermolysis bullosa simplex with pyloric atresia; PLEC1-Related Epidermolysis Bullosa with Pyloric Atresia. Identifiers: Orphanet 158684, MedGen C2677349, MONDO:0012807, OMIM 612138.

Submission:

Labcorp Genetics (formerly Invitae), Labcorp
Classification: Uncertain significance for Autosomal recessive limb-girdle muscular dystrophy type 2Q; Epidermolysis bullosa simplex, Ogna type; Epidermolysis bullosa simplex with nail dystrophy; Epidermolysis bullosa simplex 5C, with pyloric atresia; Epidermolysis bullosa simplex 5B, with muscular dystrophy. Last evaluated: 2024-03-12. Review status: criteria provided, single submitter. Criteria: Invitae Variant Classification Sherloc (09022015). Collection method: clinical testing. Allele origin: germline.
Comment: This sequence change replaces glutamic acid, which is acidic and polar, with glycine, which is neutral and non-polar, at codon 4206 of the PLEC protein (p.Glu4206Gly). This variant is not present in population databases (gnomAD no frequency). This variant has not been reported in the literature in individuals affected with PLEC-related conditions. Advanced modeling of protein sequence and biophysical properties (such as structural, functional, and spatial information, amino acid conservation, physicochemical variation, residue mobility, and thermodynamic stability) has been performed at Invitae for this missense variant, however the output from this modeling did not meet the statistical confidence thresholds required to predict the impact of this variant on PLEC protein function. In summary, the available evidence is currently insufficient to determine the role of this variant in disease. Therefore, it has been classified as a Variant of Uncertain Significance.

NM_201384.3(PLEC):c.12536A>G (p.Glu4179Gly)

Gene: PLEC (plectin; minus strand). Cytogenetic location: 8q24.3.
Variant type: single nucleotide variant.
Coding change: c.12536A>G on transcript NM_201384.3 (MANE Select); coding-DNA position 12536, A replaced by G.
Protein change: p.Glu4179Gly; replaces glutamic acid 4179 with glycine.
Molecular consequence: missense variant.
Genome position (GRCh38, 1-based): chr8:143,917,285, T>C on the plus strand (A>G on the coding strand, the complement: PLEC is on the minus strand). VCF-style: chr8-143917285-T-C. GRCh37 (hg19) VCF-style: chr8-144991453-T-C.
Other names: c.12617A>G, p.Glu4206Gly (NM_000445.5); c.9236A>G, p.Glu3079Gly (NM_001410941.1); c.12494A>G, p.Glu4165Gly (NM_201378.4); c.12470A>G, p.Glu4157Gly (NM_201379.3); c.12947A>G, p.Glu4316Gly (NM_201380.4); c.12440A>G, p.Glu4147Gly (NM_201381.3); c.12536A>G, p.Glu4179Gly (NM_201382.4); c.12548A>G, p.Glu4183Gly (NM_201383.3); short protein forms E3079G, E4147G, E4157G, E4165G, E4179G, E4183G, E4206G, E4316G.
Identifiers: ClinVar variation 3754746 (VCV003754746.2).